The following is an entry in ClinVar:

ClinVar aggregate classification (germline): Uncertain significance (1 of 4 stars; one submission).

Allele frequency attached by ClinVar (database versions not stated): TOPMed below 0.00001.

Submission:

Labcorp Genetics (formerly Invitae), Labcorp
Classification: Uncertain significance. Last evaluated: 2024-05-06. Review status: criteria provided, single submitter. Criteria: Invitae Variant Classification Sherloc (09022015). Collection method: clinical testing. Allele origin: germline.
Comment: This sequence change replaces leucine, which is neutral and non-polar, with proline, which is neutral and non-polar, at codon 478 of the HIVEP2 protein (p.Leu478Pro). This variant is not present in population databases (gnomAD no frequency). This variant has not been reported in the literature in individuals affected with HIVEP2-related conditions. Advanced modeling of protein sequence and biophysical properties (such as structural, functional, and spatial information, amino acid conservation, physicochemical variation, residue mobility, and thermodynamic stability) performed at Invitae indicates that this missense variant is expected to disrupt HIVEP2 protein function with a positive predictive value of 80%. In summary, the available evidence is currently insufficient to determine the role of this variant in disease. Therefore, it has been classified as a Variant of Uncertain Significance.

NM_006734.4(HIVEP2):c.1433T>C (p.Leu478Pro)

Gene: HIVEP2 (HIVEP zinc finger 2; minus strand). Cytogenetic location: 6q24.2.
Variant type: single nucleotide variant.
Coding change: c.1433T>C on transcript NM_006734.4 (MANE Select); coding-DNA position 1433, T replaced by C.
Protein change: p.Leu478Pro; replaces leucine 478 with proline.
Molecular consequence: missense variant.
Genome position (GRCh38, 1-based): chr6:142,773,306, A>G on the plus strand (T>C on the coding strand, the complement: HIVEP2 is on the minus strand). VCF-style: chr6-142773306-A-G. GRCh37 (hg19) VCF-style: chr6-143094443-A-G.
Other names: short protein forms L478P.
Identifiers: ClinVar variation 2860369 (VCV002860369.3), dbSNP rs982604324, ClinGen allele CA149019592.